The following is an entry in ClinVar:

NM_013432.5(TONSL):c.1628G>A (p.Arg543His)

Genes: TONSL (tonsoku like, DNA repair protein; minus strand), TONSL-AS1 (TONSL antisense RNA 1; plus strand). Cytogenetic location: 8q24.3.
Variant type: single nucleotide variant.
Coding change: c.1628G>A on transcript NM_013432.5 (MANE Select); coding-DNA position 1628, G replaced by A.
Protein change: p.Arg543His; replaces arginine 543 with histidine.
Molecular consequence: missense variant.
Genome position (GRCh38, 1-based): chr8:144,438,496, C>T on the plus strand (G>A on the coding strand, the complement: TONSL is on the minus strand). VCF-style: chr8-144438496-C-T. GRCh37 (hg19) VCF-style: chr8-145663879-C-T.
Other names: c.1628G>A (NM_013432.4); short protein forms R543H.
Identifiers: ClinVar variation 1425591 (VCV001425591.8), dbSNP rs753535876, ClinGen allele CA4943139.

ClinVar aggregate classification (germline): Uncertain significance. Review status: criteria provided, multiple submitters, no conflicts (2 of 4 stars). 2 submissions from 2 submitters: Uncertain significance (2). Last evaluated 2025-03-03.

Conditions:
Inborn genetic diseases. Identifiers: MedGen C0950123, MeSH D030342.

Allele frequency attached by ClinVar (database versions not stated): ExAC 0.00003; gnomAD exomes 0.00005; gnomAD 0.00007 and 0.00009; TOPMed 0.00011.
gnomAD v4.1: 104 of 1,612,940 alleles (0.0064%); highest among the groups gnomAD compares: African/African-American, 0.017%; no homozygotes.

Submissions (2):

Ambry Genetics
Classification: Uncertain significance for Inborn genetic diseases. Last evaluated: 2025-03-03. Review status: criteria provided, single submitter. Criteria: Ambry Variant Classification Scheme 2023. Collection method: clinical testing. Allele origin: germline.

Labcorp Genetics (formerly Invitae), Labcorp
Classification: Uncertain significance. Last evaluated: 2024-11-05. Review status: criteria provided, single submitter. Criteria: Invitae Variant Classification Sherloc (09022015). Collection method: clinical testing. Allele origin: germline.
Comment: This sequence change replaces arginine, which is basic and polar, with histidine, which is basic and polar, at codon 543 of the TONSL protein (p.Arg543His). This variant is present in population databases (rs753535876, gnomAD 0.03%). This variant has not been reported in the literature in individuals affected with TONSL-related conditions. ClinVar contains an entry for this variant (Variation ID: 1425591). Invitae Evidence Modeling of protein sequence and biophysical properties (such as structural, functional, and spatial information, amino acid conservation, physicochemical variation, residue mobility, and thermodynamic stability) indicates that this missense variant is not expected to disrupt TONSL protein function with a negative predictive value of 80%. In summary, the available evidence is currently insufficient to determine the role of this variant in disease. Therefore, it has been classified as a Variant of Uncertain Significance.